The following is an entry in ClinVar:

NM_020791.4(TAOK1):c.718A>G (p.Asn240Asp)

Gene: TAOK1 (TAO kinase 1; plus strand). Cytogenetic location: 17q11.2.
Variant type: single nucleotide variant.
Coding change: c.718A>G on transcript NM_020791.4 (MANE Select); coding-DNA position 718, A replaced by G.
Protein change: p.Asn240Asp; replaces asparagine 240 with aspartic acid.
Molecular consequence: missense variant.
Genome position (GRCh38, 1-based): chr17:29,489,726, A>G. VCF-style: chr17-29489726-A-G. GRCh37 (hg19) VCF-style: chr17-27816744-A-G.
Other names: c.718A>G, p.Asn240Asp (NM_025142.1); short protein forms N240D.
Identifiers: ClinVar variation 4282283 (VCV004282283.1).
Genomic context (GRCh38, chr17:29,489,726, plus strand): 5'-GAAAGGAAGCCTCCTTTATTTAATATGAATGCAATGAGTGCCTTATATCACATAGCCCAA[A>G]ATGAATCCCCTACACTACAGTCTAATGAATGGTGAGTATTGTTAATATATATATTGCTCA-3'
Protein context (NP_065842.1, residues 230-250): AMSALYHIAQ[Asn240Asp]ESPTLQSNEW

ClinVar aggregate classification (germline): Uncertain significance (1 of 4 stars; one submission).

Submission:

GeneDx
Classification: Uncertain significance. Last evaluated: 2025-04-16. Review status: criteria provided, single submitter. Criteria: GeneDx Variant Classification Process June 2021. Collection method: clinical testing. Allele origin: germline. Affected: yes.
Comment: Not observed at significant frequency in large population cohorts (gnomAD); In silico analysis supports that this missense variant has a deleterious effect on protein structure/function; Has not been previously published as pathogenic or benign to our knowledge